The following is an entry in ClinVar:

ClinVar aggregate classification (germline): Uncertain significance (1 of 4 stars; one submission).

Allele frequency attached by ClinVar (database versions not stated): TOPMed below 0.00001.
gnomAD v4.1: 1 of 1,613,788 alleles (0.000062%); highest among the groups gnomAD compares: Non-Finnish European, 0.000085%; no homozygotes.

Submission:

Labcorp Genetics (formerly Invitae), Labcorp
Classification: Uncertain significance. Last evaluated: 2022-11-08. Review status: criteria provided, single submitter. Criteria: Invitae Variant Classification Sherloc (09022015). Collection method: clinical testing. Allele origin: germline.
Comment: This variant has not been reported in the literature in individuals affected with DDX58-related conditions. In summary, the available evidence is currently insufficient to determine the role of this variant in disease. Therefore, it has been classified as a Variant of Uncertain Significance. Advanced modeling of protein sequence and biophysical properties (such as structural, functional, and spatial information, amino acid conservation, physicochemical variation, residue mobility, and thermodynamic stability) performed at Invitae indicates that this missense variant is not expected to disrupt DDX58 protein function. This variant is not present in population databases (gnomAD no frequency). This sequence change replaces arginine, which is basic and polar, with glycine, which is neutral and non-polar, at codon 811 of the DDX58 protein (p.Arg811Gly).

NM_014314.4(RIGI):c.2431A>G (p.Arg811Gly)

Genes: RIGI (RNA sensor RIG-I; minus strand), LOC101060445 (uncharacterized LOC101060445; plus strand). Cytogenetic location: 9p21.1.
Variant type: single nucleotide variant.
Coding change: c.2431A>G on transcript NM_014314.4 (MANE Select); coding-DNA position 2431, A replaced by G.
Protein change: p.Arg811Gly; replaces arginine 811 with glycine.
Molecular consequence: missense variant.
Genome position (GRCh38, 1-based): chr9:32,459,421, T>C on the plus strand (A>G on the coding strand, the complement: RIGI is on the minus strand). VCF-style: chr9-32459421-T-C. GRCh37 (hg19) VCF-style: chr9-32459419-T-C.
Other names: c.2425A>G, p.Arg809Gly (NM_001385907.1); c.2260A>G, p.Arg754Gly (NM_001385909.1); c.1990A>G, p.Arg664Gly (NM_001385910.1); c.1822A>G, p.Arg608Gly (NM_001385912.1); c.2416A>G, p.Arg806Gly (NM_001385913.1); c.1987A>G, p.Arg663Gly (NM_001385914.1); short protein forms R663G, R754G, R811G, R608G, R806G, R809G, R664G.
Identifiers: ClinVar variation 3013649 (VCV003013649.3), dbSNP rs1273454974, ClinGen allele CA373144132.